The following is an entry in ClinVar:

NM_001148.6(ANK2):c.7620C>A (p.Thr2540=)

Genes: ANK2 (ankyrin 2; plus strand), LOC126807137 (CDK7 strongly-dependent group 2 enhancer GRCh37_chr4:114276560-114277759; plus strand). Cytogenetic location: 4q26.
Variant type: single nucleotide variant.
Coding change: c.7620C>A on transcript NM_001148.6 (MANE Select); coding-DNA position 7620, C replaced by A.
Protein change: p.Thr2540=; no amino-acid change (threonine 2540 retained).
Molecular consequence: synonymous variant. On other transcripts: intron variant (68).
Genome position (GRCh38, 1-based): chr4:113,356,238, C>A. VCF-style: chr4-113356238-C-A. GRCh37 (hg19) VCF-style: chr4-114277394-C-A.
Other names: c.7386C>A, p.Thr2462= (NM_001386142.1); c.4020C>A, p.Thr1340= (NM_001386166.1); c.7761C>A, p.Thr2587= (NM_001386174.1); c.7737C>A, p.Thr2579= (NM_001386175.1); c.4412-4585C>A (NM_001386186.2, NM_001386148.2); c.4214-4585C>A (NM_001354269.3); c.4292-4585C>A (NM_001386187.2); c.4253-4585C>A (NM_001386147.1); and 35 more.
Identifiers: ClinVar variation 507260 (VCV000507260.3), dbSNP rs1554560800, ClinGen allele CA440879327.
Genomic context (GRCh38, chr4:113,356,238, plus strand): 5'-CAGTCTTGAGCAGACATCGCTCATGGAGAGCTCAGGGAAGAGCCCCCTTTCTCCTGACAC[C>A]CCCAGCTCTGAAGAAGTCAGCTATGAGGTTACACCCAAAACCACAGATGTAAGTACACCA-3'
Protein context (NP_001139.3, residues 2530-2550): SSGKSPLSPD[Thr2540=]PSSEEVSYEV

ClinVar aggregate classification (germline): Likely benign. Review status: criteria provided, multiple submitters, no conflicts (2 of 4 stars). 2 submissions from 2 submitters: Likely benign (2). Last evaluated 2019-04-08.

Conditions:
Cardiovascular phenotype. Identifiers: MedGen CN230736.

Submissions (2):

Ambry Genetics
Classification: Likely benign for Cardiovascular phenotype. Last evaluated: 2019-04-08. Review status: criteria provided, single submitter. Criteria: Ambry Variant Classification Scheme 2023. Collection method: clinical testing. Allele origin: germline.

GeneDx
Classification: Likely benign. Last evaluated: 2017-02-02. Review status: criteria provided, single submitter. Criteria: GeneDx Variant Classification (06012015). Collection method: clinical testing. Allele origin: germline. Affected: yes.
Comment: This variant is considered likely benign or benign based on one or more of the following criteria: it is a conservative change, it occurs at a poorly conserved position in the protein, it is predicted to be benign by multiple in silico algorithms, and/or has population frequency not consistent with disease.